The following is an entry in ClinVar:

ClinVar aggregate classification (germline): Uncertain significance (1 of 4 stars; one submission).

Conditions:
Neuropathy, hereditary sensory, type 2C. Also called: Hereditary sensory and autonomic neuropathy type IIC; KIF1A-Related HSAN2 (HSAN2C). Identifiers: Orphanet 970, MedGen C3280168, MONDO:0013634, OMIM 614213.

gnomAD v4.1: 1 of 1,613,250 alleles (0.000062%); highest among the groups gnomAD compares: Non-Finnish European, 0.000085%; no homozygotes.

Submission:

MVZ Medizinische Genetik Mainz
Classification: Uncertain significance for Neuropathy, hereditary sensory, type 2C. Last evaluated: 2026-01-14. Review status: criteria provided, single submitter. Criteria: UK Practice Guidelines For Variant Classification V4 01 2020. Collection method: clinical testing. Allele origin: germline. Inheritance: Autosomal dominant inheritance. Affected: yes. Observed: 1 variant allele.
Comment: ACMG Criteria: PM2_SUP,PP3

NM_001244008.2(KIF1A):c.3452A>G (p.Tyr1151Cys)

Gene: KIF1A (kinesin family member 1A; minus strand). Cytogenetic location: 2q37.3.
Variant type: single nucleotide variant.
Coding change: c.3452A>G on transcript NM_001244008.2 (MANE Select); coding-DNA position 3452, A replaced by G.
Protein change: p.Tyr1151Cys; replaces tyrosine 1151 with cysteine.
Molecular consequence: missense variant.
Genome position (GRCh38, 1-based): chr2:240,745,440, T>C on the plus strand (A>G on the coding strand, the complement: KIF1A is on the minus strand). VCF-style: chr2-240745440-T-C. GRCh37 (hg19) VCF-style: chr2-241684857-T-C.
Other names: c.3176A>G, p.Tyr1059Cys (NM_001320705.2, NM_001330289.2, NM_001379638.1); c.3251A>G, p.Tyr1084Cys (NM_001330290.2, NM_001379634.1, NM_001379635.1 and 1 more transcripts); c.3527A>G, p.Tyr1176Cys (NM_001379631.1); c.3401A>G, p.Tyr1134Cys (NM_001379632.1); c.3425A>G, p.Tyr1142Cys (NM_001379633.1, NM_001379642.1, NM_001379645.1); c.3149A>G, p.Tyr1050Cys (NM_001379636.1, NM_001379639.1, NM_001379641.1 and 5 more transcripts); c.3224A>G, p.Tyr1075Cys (NM_001379637.1, NM_001379648.1); c.3146A>G, p.Tyr1049Cys (NM_001379640.1); short protein forms Y1049C, Y1050C, Y1059C, Y1075C, Y1084C, Y1134C, Y1142C, Y1151C.
Identifiers: ClinVar variation 4688166 (VCV004688166.1).